The following is an entry in ClinVar:

NM_003640.5(ELP1):c.1985_1993delinsTGCT (p.Cys662fs)

Gene: ELP1 (elongator acetyltransferase complex subunit 1; minus strand). Cytogenetic location: 9q31.3.
Variant type: Indel.
Coding change: c.1985_1993delinsTGCT on transcript NM_003640.5 (MANE Select); coding-DNA positions 1985 to 1993, GTTTTTGCC replaced by TGCT.
Protein change: p.Cys662fs; shifts the reading frame from cysteine 662.
Molecular consequence: frameshift variant.
Genome position (GRCh38, 1-based): chr9:108,901,446-108,901,454, GGCAAAAAC replaced by AGCA on the plus strand (GTTTTTGCC replaced by TGCT on the coding strand, the reverse complement: ELP1 is on the minus strand). VCF-style: chr9-108901446-GGCAAAAAC-AGCA. GRCh37 (hg19) VCF-style: chr9-111663726-GGCAAAAAC-AGCA.
Other names: c.1643_1651delinsTGCT, p.Cys548fs (NM_001318360.2); c.938_946delinsTGCT, p.Cys313fs (NM_001330749.2); short protein forms C313fs, C548fs, C662fs.
Identifiers: ClinVar variation 4815183 (VCV004815183.1).

ClinVar aggregate classification (germline): Likely pathogenic (1 of 4 stars; one submission).

Conditions:
Familial dysautonomia. Also called: HSAN III; FD. Identifiers: Orphanet 1764, MedGen C0013364, MONDO:0009131, OMIM 223900. Disease mechanism: loss of function.

Submission:

Natera, Inc.
Classification: Likely pathogenic for Familial dysautonomia. Last evaluated: 2025-05-02. Review status: criteria provided, single submitter. Criteria: Natera Variant Classification Schema (03/2026). Collection method: clinical testing. Allele origin: germline.
Comment: The c.1985_1993delinsTGCT variant in ELP1 is a frameshift variant predicted to shift the reading frame beginning at codon 662 and leads to a stop codon 8 codons downstream. This variant is expected to result in nonsense mediated decay, truncation, or a dysfunctional protein product. This variant is rare in the general population with a frequency below the threshold expected for the associated phenotype(s). Given the available evidence, this variant is classified as Likely Pathogenic.